The following is an entry in ClinVar:

ClinVar aggregate classification (germline): Uncertain significance (1 of 4 stars; one submission).

gnomAD v4.1: 14 of 1,611,056 alleles (0.00087%); highest among the groups gnomAD compares: Admixed American, 0.0017%; no homozygotes.

Submission:

Labcorp Genetics (formerly Invitae), Labcorp
Classification: Uncertain significance. Last evaluated: 2025-09-16. Review status: criteria provided, single submitter. Criteria: Invitae Variant Classification Sherloc (09022015). Collection method: clinical testing. Allele origin: germline.
Comment: This sequence change replaces arginine, which is basic and polar, with tryptophan, which is neutral and slightly polar, at codon 340 of the TOP2B protein (p.Arg340Trp). The frequency data for this variant in the population databases is considered unreliable, as metrics indicate poor data quality at this position in the gnomAD database. This variant has not been reported in the literature in individuals affected with TOP2B-related conditions. An algorithm developed to predict the effect of missense changes on protein structure and function (PolyPhen-2) suggests that this variant is likely to be disruptive. In summary, the available evidence is currently insufficient to determine the role of this variant in disease. Therefore, it has been classified as a Variant of Uncertain Significance.

NM_001330700.2(TOP2B):c.1033C>T (p.Arg345Trp)

Gene: TOP2B (DNA topoisomerase II beta; minus strand). Cytogenetic location: 3p24.2.
Variant type: single nucleotide variant.
Coding change: c.1033C>T on transcript NM_001330700.2 (MANE Select); coding-DNA position 1033, C replaced by T.
Protein change: p.Arg345Trp; replaces arginine 345 with tryptophan.
Molecular consequence: missense variant.
Genome position (GRCh38, 1-based): chr3:25,632,788, G>A on the plus strand (C>T on the coding strand, the complement: TOP2B is on the minus strand). VCF-style: chr3-25632788-G-A. GRCh37 (hg19) VCF-style: chr3-25674279-G-A.
Other names: c.1018C>T, p.Arg340Trp (NM_001068.3); short protein forms R345W, R340W.
Identifiers: ClinVar variation 4760675 (VCV004760675.1).